The following is an entry in ClinVar:

ClinVar aggregate classification (germline): Uncertain significance. Review status: criteria provided, multiple submitters, no conflicts (2 of 4 stars). 3 submissions from 3 submitters: Uncertain significance (3). Last evaluated 2023-11-13.

Conditions:
Hereditary cancer-predisposing syndrome. Also called: Neoplastic Syndromes, Hereditary; Tumor predisposition; Hereditary Cancer Syndrome; Hereditary neoplastic syndrome. Identifiers: Orphanet 140162, MedGen C0027672, MeSH D009386, MONDO:0015356.

Allele frequency attached by ClinVar (database versions not stated): gnomAD below 0.00001 and 0.00001; gnomAD exomes 0.00001; TOPMed 0.00001; ExAC 0.00002; ESP Exome Variant Server 0.00008.

Submissions (3):

Ambry Genetics
Classification: Uncertain significance for Hereditary cancer-predisposing syndrome. Last evaluated: 2023-11-13. Review status: criteria provided, single submitter. Criteria: Ambry Variant Classification Scheme 2023. Collection method: clinical testing. Allele origin: germline.
Comment: The p.M1004V variant (also known as c.3010A>G), located in coding exon 19 of the RAD50 gene, results from an A to G substitution at nucleotide position 3010. The methionine at codon 1004 is replaced by valine, an amino acid with highly similar properties. This amino acid position is not well conserved in available vertebrate species. In addition, this alteration is predicted to be tolerated by in silico analysis. Since supporting evidence is limited at this time, the clinical significance of this alteration remains unclear.

Labcorp Genetics (formerly Invitae), Labcorp
Classification: Uncertain significance for Hereditary cancer-predisposing syndrome. Last evaluated: 2023-09-05. Review status: criteria provided, single submitter. Criteria: Invitae Variant Classification Sherloc (09022015). Collection method: clinical testing. Allele origin: germline.
Comment: ClinVar contains an entry for this variant (Variation ID: 232376). Advanced modeling of protein sequence and biophysical properties (such as structural, functional, and spatial information, amino acid conservation, physicochemical variation, residue mobility, and thermodynamic stability) performed at Invitae indicates that this missense variant is not expected to disrupt RAD50 protein function. In summary, the available evidence is currently insufficient to determine the role of this variant in disease. Therefore, it has been classified as a Variant of Uncertain Significance. This variant has not been reported in the literature in individuals affected with RAD50-related conditions. This sequence change replaces methionine, which is neutral and non-polar, with valine, which is neutral and non-polar, at codon 1004 of the RAD50 protein (p.Met1004Val). This variant is present in population databases (rs367702445, gnomAD 0.004%).

GeneDx
Classification: Uncertain significance. Last evaluated: 2023-05-23. Review status: criteria provided, single submitter. Criteria: GeneDx Variant Classification Process June 2021. Collection method: clinical testing. Allele origin: germline. Affected: yes.
Comment: In silico analysis supports that this missense variant has a deleterious effect on protein structure/function; Has not been previously published as pathogenic or benign to our knowledge; Variants in candidate genes are classified as variants of uncertain significance in accordance with ACMG guidelines (Richards et al., 2015)

NM_005732.4(RAD50):c.3010A>G (p.Met1004Val)

Gene: RAD50 (RAD50 double strand break repair protein; plus strand). Cytogenetic location: 5q31.1.
Variant type: single nucleotide variant.
Coding change: c.3010A>G on transcript NM_005732.4 (MANE Select); coding-DNA position 3010, A replaced by G.
Protein change: p.Met1004Val; replaces methionine 1004 with valine.
Molecular consequence: missense variant.
Genome position (GRCh38, 1-based): chr5:132,609,370, A>G. VCF-style: chr5-132609370-A-G. GRCh37 (hg19) VCF-style: chr5-131945062-A-G.
Other names: short protein forms M1004V.
Identifiers: ClinVar variation 232376 (VCV000232376.17), dbSNP rs367702445, ClinGen allele CA3405498.